The following is an entry in ClinVar:

ClinVar aggregate classification (germline): Pathogenic. Review status: criteria provided, multiple submitters, no conflicts (2 of 4 stars). 2 submissions from 2 submitters: Pathogenic (2). Last evaluated 2024-02-21.

Submissions (2):

GeneDx
Classification: Pathogenic. Last evaluated: 2024-02-21. Review status: criteria provided, single submitter. Criteria: GeneDx Variant Classification Process June 2021. Collection method: clinical testing. Allele origin: germline. Affected: yes.
Comment: Frameshift variant predicted to result in protein truncation or nonsense mediated decay in a gene for which loss of function is a known mechanism of disease; Not observed at significant frequency in large population cohorts (gnomAD); This variant is associated with the following publications: (PMID: 34806794)

Labcorp Genetics (formerly Invitae), Labcorp
Classification: Pathogenic. Last evaluated: 2019-10-23. Review status: criteria provided, single submitter. Criteria: Invitae Variant Classification Sherloc (09022015). Collection method: clinical testing. Allele origin: germline.
Comment: This sequence change creates a premature translational stop signal (p.Glu10Argfs*41) in the PHEX gene. It is expected to result in an absent or disrupted protein product. This variant is not present in population databases (ExAC no frequency). Loss-of-function variants in PHEX are known to be pathogenic (PMID: 9097956, 9106524, 19219621). For these reasons, this variant has been classified as Pathogenic.

Literature cited by the submitters: PubMed 9097956 (cited by Labcorp Genetics (formerly Invitae), Labcorp); PubMed 9106524 (cited by Labcorp Genetics (formerly Invitae), Labcorp); PubMed 19219621 (cited by Labcorp Genetics (formerly Invitae), Labcorp).

NM_000444.6(PHEX):c.27_28insA (p.Glu10fs)

Gene: PHEX (phosphate regulating endopeptidase X-linked; plus strand). Cytogenetic location: Xp22.11.
Variant type: Insertion.
Coding change: c.27_28insA on transcript NM_000444.6 (MANE Select); coding-DNA positions 27 to 28, A inserted.
Protein change: p.Glu10fs; shifts the reading frame from glutamic acid 10.
Molecular consequence: frameshift variant.
Genome position: GRCh38 VCF-style: chrX-22033032-G-GA. GRCh37 (hg19) VCF-style: chrX-22051150-G-GA.
Other names: c.27_28insA, p.Glu10fs (NM_001282754.2); c.27_28insA (NM_000444.4); short protein forms E10fs.
Identifiers: ClinVar variation 964836 (VCV000964836.10), dbSNP rs1926868266, ClinGen allele CA1139667272.